The following is an entry in ClinVar:

ClinVar aggregate classification (germline): Pathogenic (1 of 4 stars; one submission).

Conditions:
Cholestanol storage disease (CTX). Also called: CTX: Cerebrotendinous xanthomatosis; CEREBRAL CHOLESTERINOSIS; Cerebrotendinous Xanthomatosis. Identifiers: Orphanet 909, MedGen C0238052, MONDO:0008948, OMIM 213700.

Submission:

Labcorp Genetics (formerly Invitae), Labcorp
Classification: Pathogenic for Cholestanol storage disease. Last evaluated: 2024-01-04. Review status: criteria provided, single submitter. Criteria: Invitae Variant Classification Sherloc (09022015). Collection method: clinical testing. Allele origin: germline.
Comment: This variant is a gross deletion of the genomic region encompassing exon(s) 1 of the CYP27A1 gene, which includes the initiator codon. This deletion extends beyond the assayed region for this gene and therefore may encompass additional genes. It is expected to result in an absent or disrupted protein product. Loss-of-function variants in CYP27A1 are known to be pathogenic (PMID: 9392430, 10775536, 26937392). This variant has not been reported in the literature in individuals affected with CYP27A1-related conditions. For these reasons, this variant has been classified as Pathogenic.

Literature cited by the submitters: PubMed 9392430; PubMed 10775536; PubMed 26937392.

NC_000002.11:g.(?_219646906)_(219647180_?)del

Gene: CYP27A1 (cytochrome P450 family 27 subfamily A member 1; plus strand). Cytogenetic location: 2q35.
Variant type: Deletion.
Identifiers: ClinVar variation 1457667 (VCV001457667.5).